The following is an entry in ClinVar:

ClinVar aggregate classification (germline): Likely pathogenic (1 of 4 stars; one submission).

Conditions:
GNPTAB-mucolipidosis. Also called: UDP-N-acetylglucosamine-1-phosphotransferase subunit alpha/beta deficiency. Identifiers: MedGen CN322573, MONDO:0100122.

Submission:

Myriad Genetics, Inc.
Classification: Likely pathogenic for GNPTAB-mucolipidosis. Last evaluated: 2022-02-19. Review status: criteria provided, single submitter. Criteria: Myriad Autosomal Dominant, Autosomal Recessive and X-Linked Classification Criteria (2023). Collection method: clinical testing. Allele origin: unknown.
Comment: NM_024312.4(GNPTAB):c.1677delA(G560Vfs*12) is expected to be pathogenic in the context of GNPTAB-related disorders. This variant is predicted to lead to an abnormal or absent protein product due to the creation of a premature termination codon in GNPTAB, a gene where loss-of-function variants are known to be pathogenic. Please note: this variant was assessed in the context of healthy population screening.

NM_024312.5(GNPTAB):c.1677del (p.Gly560fs)

Gene: GNPTAB (N-acetylglucosamine-1-phosphate transferase subunits alpha and beta; minus strand). Cytogenetic location: 12q23.2.
Variant type: Deletion.
Coding change: c.1677del on transcript NM_024312.5 (MANE Select); coding-DNA position 1677, one base deleted (A; older notation c.1677delA).
Protein change: p.Gly560fs; shifts the reading frame from glycine 560.
Molecular consequence: frameshift variant.
Genome position (GRCh38, 1-based): chr12:101,765,240, T deleted on the plus strand (A on the coding strand, the reverse complement: GNPTAB is on the minus strand); the first of 4 consecutive T bases (chr12:101,765,240-101,765,243); deleting any one gives the same sequence. VCF-style (leftmost placement, unchanged base first): chr12-101765239-CT-C. GRCh37 (hg19) VCF-style: chr12-102159017-CT-C.
Other names: short protein forms G560fs.
Identifiers: ClinVar variation 1724550 (VCV001724550.3), dbSNP rs2547958006, ClinGen allele CA2580085700.